The following is an entry in ClinVar:

ClinVar aggregate classification (germline): Uncertain significance (1 of 4 stars; one submission).

Conditions:
Brugada syndrome. Also called: Sudden Unexplained Death Syndrome; Sudden Unexplained Nocturnal Death Syndrome (SUNDS); Sudden unexpected nocturnal death syndrome; Sudden unexplained nocturnal death syndrome. Identifiers: Orphanet 130, MedGen C1142166, MONDO:0015263.

Submission:

Labcorp Genetics (formerly Invitae), Labcorp
Classification: Uncertain significance for Brugada syndrome. Last evaluated: 2021-12-19. Review status: criteria provided, single submitter. Criteria: Invitae Variant Classification Sherloc (09022015). Collection method: clinical testing. Allele origin: germline.
Comment: In summary, the available evidence is currently insufficient to determine the role of this variant in disease. Therefore, it has been classified as a Variant of Uncertain Significance. Advanced modeling of protein sequence and biophysical properties (such as structural, functional, and spatial information, amino acid conservation, physicochemical variation, residue mobility, and thermodynamic stability) performed at Invitae indicates that this missense variant is expected to disrupt SCN10A protein function. This variant has not been reported in the literature in individuals affected with SCN10A-related conditions. This variant is not present in population databases (gnomAD no frequency). This sequence change replaces isoleucine, which is neutral and non-polar, with valine, which is neutral and non-polar, at codon 1620 of the SCN10A protein (p.Ile1620Val).

NM_006514.4(SCN10A):c.4858A>G (p.Ile1620Val)

Gene: SCN10A (sodium voltage-gated channel alpha subunit 10; minus strand). Cytogenetic location: 3p22.2.
Variant type: single nucleotide variant.
Coding change: c.4858A>G on transcript NM_006514.4 (MANE Select); coding-DNA position 4858, A replaced by G.
Protein change: p.Ile1620Val; replaces isoleucine 1620 with valine.
Molecular consequence: missense variant.
Genome position (GRCh38, 1-based): chr3:38,698,362, T>C on the plus strand (A>G on the coding strand, the complement: SCN10A is on the minus strand). VCF-style: chr3-38698362-T-C. GRCh37 (hg19) VCF-style: chr3-38739853-T-C.
Other names: c.4855A>G, p.Ile1619Val (NM_001293306.2); c.4564A>G, p.Ile1522Val (NM_001293307.2); short protein forms I1620V, I1522V, I1619V.
Identifiers: ClinVar variation 2048717 (VCV002048717.4), dbSNP rs1402339832, ClinGen allele CA352155380.
Genomic context (GRCh38, chr3:38,698,362, plus strand): 5'-CGTCGATGCCAGCCTCCCACCTCACATGGGGAAAGCTGGACATACCGAAGATAGAGTAGA[T>C]GAACATGACAAGGAATAGCAACAGCCCGATGTTGAAGAGGGCAGGCAGGGACATCATGAG-3'
Protein context (NP_006505.4, residues 1610-1630): IGLLLFLVMF[Ile1620Val]YSIFGMSSFP